The following is an entry in ClinVar:

NM_004360.5(CDH1):c.-36C>T

Genes: CDH1 (cadherin 1; plus strand), LOC130059290 (ATAC-STARR-seq lymphoblastoid silent region 7650; plus strand). Cytogenetic location: 16q22.1.
Variant type: single nucleotide variant.
Coding change: c.-36C>T on transcript NM_004360.5 (MANE Select); 36 bases upstream of the start codon, C replaced by T.
Molecular consequence: 5 prime UTR variant.
Genome position (GRCh38, 1-based): chr16:68,737,380, C>T. VCF-style: chr16-68737380-C-T. GRCh37 (hg19) VCF-style: chr16-68771283-C-T.
Other names: c.-36C>T (LRG_301t1, NM_001317184.2); c.-1651C>T (NM_001317185.2); c.-1855C>T (NM_001317186.2).
Identifiers: ClinVar variation 234740 (VCV000234740.2), dbSNP rs876661191, ClinGen allele CA10577532.

ClinVar aggregate classification (germline): Uncertain significance (1 of 4 stars; one submission).

Allele frequency attached by ClinVar (database versions not stated): gnomAD exomes below 0.00001.
gnomAD v4.1: 1 of 1,526,458 alleles (0.000066%); highest among the groups gnomAD compares: South Asian, 0.0012%; no homozygotes.

Submission:

GeneDx
Classification: Uncertain significance. Last evaluated: 2016-01-04. Review status: criteria provided, single submitter. Criteria: GeneDx Variant Classification (06012015). Collection method: clinical testing. Allele origin: germline. Affected: yes.
Comment: This variant is denoted CDH1 c.-36C>T, and describes a nucleotide substitution 36 base pairs upstream of the CDH1 ATG translational start site in the 5' untranslated region (UTR). The surrounding sequence, with the base that is substituted in braces, is GCAC[C/T]CGGC. CDH1 c.-36C>T has not, to our knowlege, been published in the literature as pathogenic or benign. This variant does not appear to affect the start codon or the Kozak translational consensus sequence. CDH1 c.-36C>T was not observed in approximately 3,500 individuals of European and African American ancestry in the NHLBI Exome Sequencing Project, suggesting it is not a common benign variant in these populations, and the substituted base is conserved across species. At this time, we consider CDH1 c.-36C>T to be a variant of uncertain significance.